The following is an entry in ClinVar:

ClinVar aggregate classification (germline): Uncertain significance. Review status: criteria provided, multiple submitters, no conflicts (2 of 4 stars). 4 submissions from 4 submitters: Uncertain significance (4). Last evaluated 2025-09-11.

Conditions:
Autosomal dominant nonsyndromic hearing loss 65. Also called: Deafness, autosomal dominant 65; TBC1D24-Related Autosomal Dominant Nonsyndromic Hearing Loss (DFNA). Identifiers: Orphanet 90635, MedGen C3892048, MONDO:0014470, OMIM 616044.
Developmental and epileptic encephalopathy, 1 (DEE1). Also called: X-linked infantile spasms; West's syndrome; Tonic spasms with clustering, arrest of psychomotor development and hypsarrhythmia on EEG; X-Linked Infantile Spasm Syndrome; OHTAHARA SYNDROME, X-LINKED; INFANTILE SPASM SYNDROME, X-LINKED 1. Identifiers: MedGen C3463992, MONDO:0010632, OMIM 308350. Disease mechanism: loss of function.
TBC1D24-related disorder. Also called: TBC1D24-related condition; TBC1D24-related disorders. Identifiers: MedGen CN381194.
Inborn genetic diseases. Identifiers: MedGen C0950123, MeSH D030342.

Allele frequency attached by ClinVar (database versions not stated): ExAC 0.00002.
gnomAD v4.1: 31 of 1,613,928 alleles (0.0019%); highest among the groups gnomAD compares: South Asian, 0.018%; no homozygotes.

Submissions (4):

PreventionGenetics, part of Exact Sciences
Classification: Uncertain significance for TBC1D24-related condition. Last evaluated: 2025-09-11. Review status: criteria provided, single submitter. Criteria: ACMG Guidelines, 2015. Collection method: clinical testing. Allele origin: germline.
Comment: The TBC1D24 c.776C>T variant is predicted to result in the amino acid substitution p.Pro259Leu. To our knowledge, this variant has not been reported in the literature. This variant is reported in 0.026% of alleles in individuals of South Asian descent in gnomAD. At this time, the clinical significance of this variant is uncertain due to the absence of conclusive functional and genetic evidence.

Labcorp Genetics (formerly Invitae), Labcorp
Classification: Uncertain significance for Developmental and epileptic encephalopathy, 1; Autosomal dominant nonsyndromic hearing loss 65. Last evaluated: 2025-02-12. Review status: criteria provided, single submitter. Criteria: Invitae Variant Classification Sherloc (09022015). Collection method: clinical testing. Allele origin: germline.
Comment: This sequence change replaces proline, which is neutral and non-polar, with leucine, which is neutral and non-polar, at codon 259 of the TBC1D24 protein (p.Pro259Leu). This variant is present in population databases (rs779398267, gnomAD 0.03%). This variant has not been reported in the literature in individuals affected with TBC1D24-related conditions. ClinVar contains an entry for this variant (Variation ID: 450477). Invitae Evidence Modeling of protein sequence and biophysical properties (such as structural, functional, and spatial information, amino acid conservation, physicochemical variation, residue mobility, and thermodynamic stability) indicates that this missense variant is not expected to disrupt TBC1D24 protein function with a negative predictive value of 80%. In summary, the available evidence is currently insufficient to determine the role of this variant in disease. Therefore, it has been classified as a Variant of Uncertain Significance.

Ambry Genetics
Classification: Uncertain significance for Inborn genetic diseases. Last evaluated: 2023-08-21. Review status: criteria provided, single submitter. Criteria: Ambry Variant Classification Scheme 2023. Collection method: clinical testing. Allele origin: germline.

GeneDx
Classification: Uncertain significance. Last evaluated: 2017-07-18. Review status: criteria provided, single submitter. Criteria: GeneDx Variant Classification (06012015). Collection method: clinical testing. Allele origin: germline. Affected: yes.
Comment: The P259L variant has not been published as a pathogenic variant, nor has it been reported as a benign variant to our knowledge. The P259L variant is not observed at a significant frequency in large population cohorts (Lek et al., 2016; 1000 Genomes Consortium et al., 2015; Exome Variant Server). This variant is a semi-conservative amino acid substitution, which may impact secondary protein structure as these residues differ in some properties. However, this substitution occurs at a position that is not conserved, and in silico analysis is inconsistent in its predictions as to whether or not the variant is damaging to the protein structure/function.

NM_001199107.2(TBC1D24):c.776C>T (p.Pro259Leu)

Gene: TBC1D24 (TBC1 domain family member 24; plus strand). Cytogenetic location: 16p13.3.
Variant type: single nucleotide variant.
Coding change: c.776C>T on transcript NM_001199107.2 (MANE Select); coding-DNA position 776, C replaced by T.
Protein change: p.Pro259Leu; replaces proline 259 with leucine.
Molecular consequence: missense variant.
Genome position (GRCh38, 1-based): chr16:2,496,924, C>T. VCF-style: chr16-2496924-C-T. GRCh37 (hg19) VCF-style: chr16-2546925-C-T.
Other names: c.776C>T, p.Pro259Leu (NM_020705.3); short protein forms P259L.
Identifiers: ClinVar variation 450477 (VCV000450477.8), dbSNP rs779398267, ClinGen allele CA7844066.